The following is an entry in ClinVar:

ClinVar aggregate classification (germline): Uncertain significance (1 of 4 stars; one submission).

Conditions:
Cardiovascular phenotype. Identifiers: MedGen CN230736.

gnomAD v4.1: 1 of 1,614,078 alleles (0.000062%); highest among the groups gnomAD compares: African/African-American, 0.0013%; no homozygotes.

Submission:

Ambry Genetics
Classification: Uncertain significance for Cardiovascular phenotype. Last evaluated: 2024-04-27. Review status: criteria provided, single submitter. Criteria: Ambry Variant Classification Scheme 2023. Collection method: clinical testing. Allele origin: germline.
Comment: The p.S325T variant (also known as c.974G>C), located in coding exon 6 of the LPL gene, results from a G to C substitution at nucleotide position 974. The serine at codon 325 is replaced by threonine, an amino acid with similar properties. This amino acid position is conserved. In addition, the in silico prediction for this alteration is inconclusive. Based on the available evidence, the clinical significance of this variant remains unclear.

NM_000237.3(LPL):c.974G>C (p.Ser325Thr)

Gene: LPL (lipoprotein lipase; plus strand). Cytogenetic location: 8p21.3.
Variant type: single nucleotide variant.
Coding change: c.974G>C on transcript NM_000237.3 (MANE Select); coding-DNA position 974, G replaced by C.
Protein change: p.Ser325Thr; replaces serine 325 with threonine.
Molecular consequence: missense variant.
Genome position (GRCh38, 1-based): chr8:19,956,039, G>C. VCF-style: chr8-19956039-G-C. GRCh37 (hg19) VCF-style: chr8-19813550-G-C.
Other names: short protein forms S325T.
Identifiers: ClinVar variation 3291189 (VCV003291189.1).